The following is an entry in ClinVar:

NM_001288705.3(CSF1R):c.1529C>T (p.Pro510Leu)

Gene: CSF1R (colony stimulating factor 1 receptor; minus strand). Cytogenetic location: 5q32.
Variant type: single nucleotide variant.
Coding change: c.1529C>T on transcript NM_001288705.3 (MANE Select); coding-DNA position 1529, C replaced by T.
Protein change: p.Pro510Leu; replaces proline 510 with leucine.
Molecular consequence: missense variant. On other transcripts: non-coding transcript variant (2).
Genome position (GRCh38, 1-based): chr5:150,068,312, G>A on the plus strand (C>T on the coding strand, the complement: CSF1R is on the minus strand). VCF-style: chr5-150068312-G-A. GRCh37 (hg19) VCF-style: chr5-149447875-G-A.
Other names: c.1529C>T, p.Pro510Leu (NM_001349736.2, NM_001375320.1, NM_005211.4); c.1085C>T, p.Pro362Leu (NM_001375321.1); short protein forms P362L, P510L.
Identifiers: ClinVar variation 2053848 (VCV002053848.27), dbSNP rs546270503, ClinGen allele CA3506791.

ClinVar aggregate classification (germline): Benign/Likely benign. Review status: criteria provided, multiple submitters, no conflicts (2 of 4 stars). 3 submissions from 3 submitters: Benign (1); Likely benign (2). Last evaluated 2025-09-21.

Allele frequency attached by ClinVar (database versions not stated): gnomAD 0.00002; TOPMed 0.00003; ExAC 0.00007; 1000 Genomes Project 30x 0.00016; 1000 Genomes Project 0.00020.
gnomAD v4.1: 67 of 1,612,434 alleles (0.0042%); highest among the groups gnomAD compares: Admixed American, 0.028%; no homozygotes.

Submissions (3):

Labcorp Genetics (formerly Invitae), Labcorp
Classification: Likely benign. Last evaluated: 2025-09-21. Review status: criteria provided, single submitter. Criteria: Invitae Variant Classification Sherloc (09022015). Collection method: clinical testing. Allele origin: germline.

Blueprint Genetics
Classification: Benign. Last evaluated: 2024-08-06. Review status: criteria provided, single submitter. Criteria: ACMG Guidelines, 2015. Collection method: clinical testing. Allele origin: germline.

CeGaT Center for Human Genetics Tuebingen
Classification: Likely benign. Last evaluated: 2024-01-01. Review status: criteria provided, single submitter. Criteria: CeGaT Center For Human Genetics Tuebingen Variant Classification Criteria Version 2. Collection method: clinical testing. Allele origin: germline. Affected: yes. Observed: 1 variant allele.
Comment: CSF1R: BP4